The following is an entry in ClinVar:

NM_020436.5(SALL4):c.770T>G (p.Leu257Arg)

Gene: SALL4 (spalt like transcription factor 4; minus strand). Cytogenetic location: 20q13.2.
Variant type: single nucleotide variant.
Coding change: c.770T>G on transcript NM_020436.5 (MANE Select); coding-DNA position 770, T replaced by G.
Protein change: p.Leu257Arg; replaces leucine 257 with arginine.
Molecular consequence: missense variant.
Genome position (GRCh38, 1-based): chr20:51,791,713, A>C on the plus strand (T>G on the coding strand, the complement: SALL4 is on the minus strand). VCF-style: chr20-51791713-A-C. GRCh37 (hg19) VCF-style: chr20-50408252-A-C.
Other names: c.770T>G, p.Leu257Arg (NM_001318031.2); short protein forms L257R.
Identifiers: ClinVar variation 1952079 (VCV001952079.5), dbSNP rs1404747997, ClinGen allele CA409015668.

ClinVar aggregate classification (germline): Uncertain significance (1 of 4 stars; one submission).

Conditions:
Duane-radial ray syndrome (DRRS). Also called: ACRORENOOCULAR SYNDROME; DR SYNDROME; DUANE ANOMALY WITH RADIAL RAY ABNORMALITIES AND DEAFNESS; Duane-Radial Ray Syndrome/Okihiro Syndrome; Okihiro Syndrome; Duane-Radial Ray Syndrome (DRRS) / Okihiro Syndrome. Identifiers: Orphanet 93293, Orphanet 959, MedGen C1623209, MONDO:0011812, OMIM 607323. Disease mechanism: gain of function.

Allele frequency attached by ClinVar (database versions not stated): gnomAD exomes below 0.00001.
gnomAD v4.1: 1 of 1,614,202 alleles (0.000062%); highest among the groups gnomAD compares: Admixed American, 0.0017%; no homozygotes.

Submission:

Labcorp Genetics (formerly Invitae), Labcorp
Classification: Uncertain significance for Duane-radial ray syndrome. Last evaluated: 2022-09-01. Review status: criteria provided, single submitter. Criteria: Invitae Variant Classification Sherloc (09022015). Collection method: clinical testing. Allele origin: germline.
Comment: This variant is present in population databases (no rsID available, gnomAD 0.003%). This variant has not been reported in the literature in individuals affected with SALL4-related conditions. Algorithms developed to predict the effect of missense changes on protein structure and function are either unavailable or do not agree on the potential impact of this missense change (SIFT: "Deleterious"; PolyPhen-2: "Probably Damaging"; Align-GVGD: "Class C0"). In summary, the available evidence is currently insufficient to determine the role of this variant in disease. Therefore, it has been classified as a Variant of Uncertain Significance. This sequence change replaces leucine, which is neutral and non-polar, with arginine, which is basic and polar, at codon 257 of the SALL4 protein (p.Leu257Arg).